The following is an entry in ClinVar:

NM_017802.4(DNAAF5):c.575C>G (p.Ala192Gly)

Genes: DNAAF5 (dynein axonemal assembly factor 5; plus strand), PRKAR1B (protein kinase cAMP-dependent type I regulatory subunit beta; minus strand). Cytogenetic location: 7p22.3.
Variant type: single nucleotide variant.
Coding change: c.575C>G on transcript NM_017802.4 (MANE Select); coding-DNA position 575, C replaced by G.
Protein change: p.Ala192Gly; replaces alanine 192 with glycine.
Molecular consequence: missense variant. On other transcripts: non-coding transcript variant (1), intron variant (2).
Genome position (GRCh38, 1-based): chr7:727,295, C>G. VCF-style: chr7-727295-C-G. GRCh37 (hg19) VCF-style: chr7-766932-C-G.
Other names: c.-23+360G>C (NM_001164759.1); c.-23+295G>C (NM_001164758.2); short protein forms A192G.
Identifiers: ClinVar variation 2156761 (VCV002156761.3), dbSNP rs1781362341, ClinGen allele CA366531154.

ClinVar aggregate classification (germline): Uncertain significance (1 of 4 stars; one submission).

Conditions:
Primary ciliary dyskinesia. Also called: Ciliary dyskinesia. Identifiers: Orphanet 244, MedGen C0008780, MONDO:0016575, HP:0012265.

gnomAD v4.1: 1 of 1,301,920 alleles (0.000077%); highest among the groups gnomAD compares: African/African-American, 0.0016%; no homozygotes.

Submission:

Labcorp Genetics (formerly Invitae), Labcorp
Classification: Uncertain significance for Primary ciliary dyskinesia. Last evaluated: 2022-05-15. Review status: criteria provided, single submitter. Criteria: Invitae Variant Classification Sherloc (09022015). Collection method: clinical testing. Allele origin: germline.
Comment: This sequence change replaces alanine, which is neutral and non-polar, with glycine, which is neutral and non-polar, at codon 192 of the DNAAF5 protein (p.Ala192Gly). This variant is not present in population databases (gnomAD no frequency). This variant has not been reported in the literature in individuals affected with DNAAF5-related conditions. Algorithms developed to predict the effect of missense changes on protein structure and function output the following: SIFT: "Tolerated"; PolyPhen-2: "Benign"; Align-GVGD: "Class C0". The glycine amino acid residue is found in multiple mammalian species, which suggests that this missense change does not adversely affect protein function. In summary, the available evidence is currently insufficient to determine the role of this variant in disease. Therefore, it has been classified as a Variant of Uncertain Significance.